The following is an entry in ClinVar:

ClinVar aggregate classification (germline): Uncertain significance (1 of 4 stars; one submission).

Submission:

Women's Health and Genetics/Laboratory Corporation of America, LabCorp
Classification: Uncertain significance. Last evaluated: 2026-02-11. Review status: criteria provided, single submitter. Criteria: LabCorp Variant Classification Summary - May 2015. Collection method: clinical testing. Allele origin: germline.
Comment: Variant summary: POMP c.-93G>C is located in the untranscribed region upstream of the POMP gene region. The frequency of this variant in the general population could not be determined as the technology used for large population databases (ExAC, gnomAD, ESP, 1000G) cannot detect variants of this type. The available data on variant occurrences in the general population are insufficient to allow any conclusion about variant significance. To our knowledge, no occurrence of c.-93G>C in individuals affected with POMP-related conditions and no experimental evidence demonstrating its impact on protein function have been reported. No submitters have cited clinical-significance assessments for this variant to ClinVar. Based on the evidence outlined above, the variant was classified as uncertain significance.

NM_015932.6(POMP):c.-93G>C

Gene: POMP (proteasome maturation protein; plus strand). Cytogenetic location: 13q12.3.
Variant type: single nucleotide variant.
Coding change: c.-93G>C on transcript NM_015932.6 (MANE Select); 93 bases upstream of the start codon, G replaced by C.
Genome position (GRCh38, 1-based): chr13:28,659,092, G>C. VCF-style: chr13-28659092-G-C. GRCh37 (hg19) VCF-style: chr13-29233229-G-C.
Identifiers: ClinVar variation 4847897 (VCV004847897.1).